The following is an entry in ClinVar:

NM_003331.5(TYK2):c.697C>T (p.Arg233Cys)

Gene: TYK2 (tyrosine kinase 2; minus strand). Cytogenetic location: 19p13.2.
Variant type: single nucleotide variant.
Coding change: c.697C>T on transcript NM_003331.5 (MANE Select); coding-DNA position 697, C replaced by T.
Protein change: p.Arg233Cys; replaces arginine 233 with cysteine.
Molecular consequence: missense variant. On other transcripts: intron variant (1).
Genome position (GRCh38, 1-based): chr19:10,365,831, G>A on the plus strand (C>T on the coding strand, the complement: TYK2 is on the minus strand). VCF-style: chr19-10365831-G-A. GRCh37 (hg19) VCF-style: chr19-10476507-G-A.
Other names: c.697C>T, p.Arg233Cys (NM_001385197.1, NM_001385198.1, NM_001385199.1 and 7 more transcripts); c.630-23C>T (NM_001385205.1); short protein forms R233C.
Identifiers: ClinVar variation 1443603 (VCV001443603.5), dbSNP rs1296148213, ClinGen allele CA404017313.
Genomic context (GRCh38, chr19:10,365,831, plus strand): 5'-GCTGGGAGAGTCGGCCCGGCTGGAAGTCCCGCAGGAACCTGCGGAAGACGTTCCGAAGGC[G>A]CAGCCGGGTCAGGGCGCTGTGCTGCCGGATATGCCGGCGGAAGGAGCGCGGGATGCAGTC-3'
Protein context (NP_003322.3, residues 223-243): IRQHSALTRL[Arg233Cys]LRNVFRRFLR

ClinVar aggregate classification (germline): Uncertain significance (1 of 4 stars; one submission).

Conditions:
Immunodeficiency 35 (IMD35). Also called: TYK2 DEFICIENCY; Susceptibility to infection due to TYK2 deficiency; HIES WITH ATYPICAL MYCOBACTERIOSIS, AUTOSOMAL RECESSIVE; HYPER-IgE SYNDROME WITH ATYPICAL MYCOBACTERIOSIS, AUTOSOMAL RECESSIVE. Identifiers: Orphanet 331226, MedGen C1969086, MONDO:0012682, OMIM 611521.

Allele frequency attached by ClinVar (database versions not stated): gnomAD 0.00002; gnomAD exomes 0.00002; TOPMed 0.00002.
gnomAD v4.1: 25 of 1,612,102 alleles (0.0016%); highest among the groups gnomAD compares: Admixed American, 0.012%; no homozygotes.

Submission:

Labcorp Genetics (formerly Invitae), Labcorp
Classification: Uncertain significance for Immunodeficiency 35. Last evaluated: 2024-10-29. Review status: criteria provided, single submitter. Criteria: Invitae Variant Classification Sherloc (09022015). Collection method: clinical testing. Allele origin: germline.
Comment: This sequence change replaces arginine, which is basic and polar, with cysteine, which is neutral and slightly polar, at codon 233 of the TYK2 protein (p.Arg233Cys). This variant is present in population databases (no rsID available, gnomAD 0.02%). This variant has not been reported in the literature in individuals affected with TYK2-related conditions. ClinVar contains an entry for this variant (Variation ID: 1443603). Invitae Evidence Modeling of protein sequence and biophysical properties (such as structural, functional, and spatial information, amino acid conservation, physicochemical variation, residue mobility, and thermodynamic stability) indicates that this missense variant is expected to disrupt TYK2 protein function with a positive predictive value of 80%. In summary, the available evidence is currently insufficient to determine the role of this variant in disease. Therefore, it has been classified as a Variant of Uncertain Significance.